The following is an entry in ClinVar:

ClinVar aggregate classification (germline): Pathogenic (1 of 4 stars; one submission).

Conditions:
Supravalvar aortic stenosis (SVAS). Also called: Supravalvar aortic stenosis, Eisenberg type. Identifiers: Orphanet 3193, MedGen C0003499, MONDO:0008504, OMIM 185500, HP:0004381.

Submission:

Labcorp Genetics (formerly Invitae), Labcorp
Classification: Pathogenic for Supravalvar aortic stenosis. Last evaluated: 2022-09-01. Review status: criteria provided, single submitter. Criteria: Invitae Variant Classification Sherloc (09022015). Collection method: clinical testing. Allele origin: germline.
Comment: For these reasons, this variant has been classified as Pathogenic. This premature translational stop signal has been observed in individual(s) with syndromic structural heart defects (PMID: 27866049). It has also been observed to segregate with disease in related individuals. This variant is not present in population databases (gnomAD no frequency). This sequence change creates a premature translational stop signal (p.Leu204Argfs*119) in the ELN gene. It is expected to result in an absent or disrupted protein product. Loss-of-function variants in ELN are known to be pathogenic (PMID: 11175284).

Literature cited by the submitters: PubMed 27866049; PubMed 11175284.

NM_000501.4(ELN):c.611del (p.Leu204fs)

Gene: ELN (elastin; plus strand). Cytogenetic location: 7q11.23.
Variant type: Deletion.
Coding change: c.611del on transcript NM_000501.4 (MANE Select); coding-DNA position 611, one base deleted (T; older notation c.611delT).
Protein change: p.Leu204fs; shifts the reading frame from leucine 204.
Molecular consequence: frameshift variant.
Genome position (GRCh38, 1-based): chr7:74,046,735, T deleted. VCF-style (leftmost placement, unchanged base first): chr7-74046734-CT-C. GRCh37 (hg19) VCF-style: chr7-73461064-CT-C.
Other names: c.581del, p.Leu194fs (NM_001081752.3, NM_001278917.2); c.626del, p.Leu209fs (NM_001081753.3, NM_001081754.3); c.611del, p.Leu204fs (NM_001081755.3, NM_001278912.2, NM_001278915.2 and 2 more transcripts); c.545del, p.Leu182fs (NM_001278913.2); c.596del, p.Leu199fs (NM_001278914.2); c.479del, p.Leu160fs (NM_001278918.2); short protein forms L182fs, L199fs, L204fs, L209fs, L160fs, L194fs.
Identifiers: ClinVar variation 2028331 (VCV002028331.4), dbSNP rs2485385183, ClinGen allele CA2580077343.